The following is an entry in ClinVar:

NM_006087.4(TUBB4A):c.437G>A (p.Gly146Glu)

Gene: TUBB4A (tubulin beta 4A class IVa; minus strand). Cytogenetic location: 19p13.3.
Variant type: single nucleotide variant.
Coding change: c.437G>A on transcript NM_006087.4 (MANE Select); coding-DNA position 437, G replaced by A.
Protein change: p.Gly146Glu; replaces glycine 146 with glutamic acid.
Molecular consequence: missense variant.
Genome position (GRCh38, 1-based): chr19:6,496,062, C>T on the plus strand (G>A on the coding strand, the complement: TUBB4A is on the minus strand). VCF-style: chr19-6496062-C-T. GRCh37 (hg19) VCF-style: chr19-6496073-C-T.
Other names: c.590G>A, p.Gly197Glu (NM_001289123.2); c.572G>A, p.Gly191Glu (NM_001289127.2); c.437G>A, p.Gly146Glu (NM_001289129.2); c.221G>A, p.Gly74Glu (NM_001289130.2, NM_001289131.2); short protein forms G146E, G191E, G197E, G74E.
Identifiers: ClinVar variation 4535256 (VCV004535256.6).
Genomic context (GRCh38, chr19:6,496,062, plus strand): 5'-GTGTTCATGATGCGGTCTGGGAACTCCTCGCGGATCTTACTGATGAGCAGCGTGCCCATT[C>T]CGGACCCCGTGCCACCCCCCAGCGAGTGGGTCAGCTGGAAGCCCTGAAGGCAGTCGCAGC-3'
Protein context (NP_006078.2, residues 136-156): THSLGGGTGS[Gly146Glu]MGTLLISKIR

ClinVar aggregate classification (germline): Uncertain significance (1 of 4 stars; one submission).

Submission:

CeGaT Center for Human Genetics Tuebingen
Classification: Uncertain significance. Last evaluated: 2025-11-01. Review status: criteria provided, single submitter. Criteria: CeGaT Center For Human Genetics Tuebingen Variant Classification Criteria Version 2. Collection method: clinical testing. Allele origin: germline. Affected: yes. Observed: 1 variant allele.
Comment: TUBB4A: PM2, PP2, PP3